The following is an entry in ClinVar:

ClinVar aggregate classification (germline): Likely benign (1 of 4 stars; one submission).

Allele frequency attached by ClinVar (database versions not stated): 1000 Genomes Project 0.00519; 1000 Genomes Project 30x 0.00562.
gnomAD v4.1: 1,395 of 1,583,780 alleles (0.088%); highest among the groups gnomAD compares: African/African-American, 1.6%; 12 homozygotes.

Submission:

GeneDx
Classification: Likely benign. Last evaluated: 2018-06-16. Review status: criteria provided, single submitter. Criteria: GeneDx Variant Classification (06012015). Collection method: clinical testing. Allele origin: germline. Affected: yes.
Comment: This variant is considered likely benign or benign based on one or more of the following criteria: it is a conservative change, it occurs at a poorly conserved position in the protein, it is predicted to be benign by multiple in silico algorithms, and/or has population frequency not consistent with disease.

NM_004369.4(COL6A3):c.7668+95C>A

Gene: COL6A3 (collagen type VI alpha 3 chain; minus strand). Cytogenetic location: 2q37.3.
Variant type: single nucleotide variant.
Coding change: c.7668+95C>A on transcript NM_004369.4 (MANE Select); 95 bases into the intron after coding-DNA position 7668, C replaced by A.
Molecular consequence: intron variant.
Genome position (GRCh38, 1-based): chr2:237,344,255, G>T on the plus strand (C>A on the coding strand, the complement: COL6A3 is on the minus strand). VCF-style: chr2-237344255-G-T. GRCh37 (hg19) VCF-style: chr2-238252898-G-T.
Other names: c.5847+95C>A (NM_057166.5); c.7050+95C>A (NM_057167.4).
Identifiers: ClinVar variation 679534 (VCV000679534.1), dbSNP rs11885964, ClinGen allele CA2187738.